The following is an entry in ClinVar:

ClinVar aggregate classification (germline): Pathogenic (1 of 4 stars; one submission).

Conditions:
Glycogen storage disease, type VI (GSD6). Also called: Glycogen storage disease type 6, due to phosphorylation; GSD VI; Glycogen storage disease type 6; Hepatic glycogen phosphorylase deficiency; HERS DISEASE; PHOSPHORYLASE DEFICIENCY GLYCOGEN-STORAGE DISEASE OF LIVER. Identifiers: Orphanet 369, MedGen C0017925, MONDO:0009294, OMIM 232700.

Submission:

Labcorp Genetics (formerly Invitae), Labcorp
Classification: Pathogenic for Glycogen storage disease, type VI. Last evaluated: 2022-11-23. Review status: criteria provided, single submitter. Criteria: Invitae Variant Classification Sherloc (09022015). Collection method: clinical testing. Allele origin: germline.
Comment: For these reasons, this variant has been classified as Pathogenic. This variant has not been reported in the literature in individuals affected with PYGL-related conditions. This variant is not present in population databases (gnomAD no frequency). This sequence change creates a premature translational stop signal (p.Lys410*) in the PYGL gene. It is expected to result in an absent or disrupted protein product. Loss-of-function variants in PYGL are known to be pathogenic (PMID: 9536091, 21646031).

Literature cited by the submitters: PubMed 9536091; PubMed 21646031.

NM_002863.5(PYGL):c.1228A>T (p.Lys410Ter)

Gene: PYGL (glycogen phosphorylase L; minus strand). Cytogenetic location: 14q22.1.
Variant type: single nucleotide variant.
Coding change: c.1228A>T on transcript NM_002863.5 (MANE Select); coding-DNA position 1228, A replaced by T.
Protein change: p.Lys410Ter; replaces lysine 410 with a stop codon.
Molecular consequence: nonsense.
Genome position (GRCh38, 1-based): chr14:50,915,836, T>A on the plus strand (A>T on the coding strand, the complement: PYGL is on the minus strand). VCF-style: chr14-50915836-T-A. GRCh37 (hg19) VCF-style: chr14-51382554-T-A.
Other names: c.1126A>T, p.Lys376Ter (NM_001163940.2); short protein forms K410*, K376*.
Identifiers: ClinVar variation 2815716 (VCV002815716.3), dbSNP rs2503498157, ClinGen allele CA389688330.
Genomic context (GRCh38, chr14:50,915,836, plus strand): 5'-CTTAAGATCTTATGCTCATGAACAGAGAAAATCTCTCAAAATGACTTACATCTAAATGCT[T>A]CTGATTTATCTCATAAATGATTTCCAAATGTCGAGGGAGCAGCTTCTCCACCAGGTCCAC-3'